The following is an entry in ClinVar:

NM_001401501.2(MUC16):c.31961C>T (p.Thr10654Ile)

Gene: MUC16 (mucin 16, cell surface associated; minus strand). Cytogenetic location: 19p13.2.
Variant type: single nucleotide variant.
Coding change: c.31961C>T on transcript NM_001401501.2 (MANE Select); coding-DNA position 31961, C replaced by T.
Protein change: p.Thr10654Ile; replaces threonine 10654 with isoleucine.
Molecular consequence: missense variant.
Genome position (GRCh38, 1-based): chr19:8,939,114, G>A on the plus strand (C>T on the coding strand, the complement: MUC16 is on the minus strand). VCF-style: chr19-8939114-G-A. GRCh37 (hg19) VCF-style: chr19-9049790-G-A.
Other names: c.32387C>T, p.Thr10796Ile (NM_001414686.1); c.31841C>T, p.Thr10614Ile (NM_001414687.1, NM_024690.2); short protein forms T10614I, T10654I, T10796I.
Identifiers: ClinVar variation 3771957 (VCV003771957.13).

ClinVar aggregate classification (germline): Likely benign (1 of 4 stars; one submission).

Submission:

CeGaT Center for Human Genetics Tuebingen
Classification: Likely benign. Last evaluated: 2025-02-01. Review status: criteria provided, single submitter. Criteria: CeGaT Center For Human Genetics Tuebingen Variant Classification Criteria Version 2. Collection method: clinical testing. Allele origin: germline. Affected: yes. Observed: 1 variant allele.
Comment: MUC16: BP4